The following is an entry in ClinVar:

ClinVar aggregate classification (germline): Uncertain significance (1 of 4 stars; one submission).

Conditions:
Microcephaly, normal intelligence and immunodeficiency (NBS). Also called: Nijmegen breakage syndrome; Microcephaly with normal intelligence immunodeficiency and lymphoreticular malignancies; Nonsyndromal microcephaly autosomal recessive with normal intelligence; Seemanova syndrome 2; BERLIN BREAKAGE SYNDROME; IMMUNODEFICIENCY, MICROCEPHALY, AND CHROMOSOMAL INSTABILITY. Identifiers: Orphanet 647, MedGen C0398791, MONDO:0009623, OMIM 251260.

Allele frequency attached by ClinVar (database versions not stated): TOPMed below 0.00001.
gnomAD v4.1: 1 of 1,582,510 alleles (0.000063%); highest among the groups gnomAD compares: Non-Finnish European, 0.000087%; no homozygotes.

Submission:

Labcorp Genetics (formerly Invitae), Labcorp
Classification: Uncertain significance for Microcephaly, normal intelligence and immunodeficiency. Last evaluated: 2023-12-21. Review status: criteria provided, single submitter. Criteria: Invitae Variant Classification Sherloc (09022015). Collection method: clinical testing. Allele origin: germline.
Comment: This sequence change replaces lysine, which is basic and polar, with methionine, which is neutral and non-polar, at codon 627 of the NBN protein (p.Lys627Met). This variant is not present in population databases (gnomAD no frequency). This variant has not been reported in the literature in individuals affected with NBN-related conditions. ClinVar contains an entry for this variant (Variation ID: 216566). An algorithm developed to predict the effect of missense changes on protein structure and function (PolyPhen-2) suggests that this variant is likely to be disruptive. In summary, the available evidence is currently insufficient to determine the role of this variant in disease. Therefore, it has been classified as a Variant of Uncertain Significance.

NM_002485.5(NBN):c.1880A>T (p.Lys627Met)

Genes: NBN (nibrin; minus strand), LOC126860438 (MED14-independent group 3 enhancer GRCh37_chr8:90959982-90961181; plus strand). Cytogenetic location: 8q21.3.
Variant type: single nucleotide variant.
Coding change: c.1880A>T on transcript NM_002485.5 (MANE Select); coding-DNA position 1880, A replaced by T.
Protein change: p.Lys627Met; replaces lysine 627 with methionine.
Molecular consequence: missense variant.
Genome position (GRCh38, 1-based): chr8:89,947,858, T>A on the plus strand (A>T on the coding strand, the complement: NBN is on the minus strand). VCF-style: chr8-89947858-T-A. GRCh37 (hg19) VCF-style: chr8-90960086-T-A.
Other names: c.1634A>T, p.Lys545Met (NM_001024688.3); short protein forms K627M, K545M.
Identifiers: ClinVar variation 216566 (VCV000216566.9), dbSNP rs762174459, ClinGen allele CA338447.
Genomic context (GRCh38, chr8:89,947,858, plus strand): 5'-ATAAAAATTAATAAAACGTTTCTCACAGATATTTCTTTAGCTGACCATAGTGAGTCTTCC[T>A]TGAGTTCACGTTTCTTCCCAATTTCATTTTCTTGCTAAAGAAATAAAATAAAAAATACTG-3'
Protein context (NP_002476.2, residues 617-637): ENEIGKKREL[Lys627Met]EDSLWSAKEI